The following is an entry in ClinVar:

ClinVar aggregate classification (germline): Uncertain significance (1 of 4 stars; one submission).

Submission:

GeneDx
Classification: Uncertain significance. Last evaluated: 2020-02-21. Review status: criteria provided, single submitter. Criteria: GeneDx Variant Classification Process June 2021. Collection method: clinical testing. Allele origin: germline. Affected: yes.
Comment: Not observed in large population cohorts (Lek et al., 2016); In silico analysis supports that this missense variant has a deleterious effect on protein structure/function; Has not been previously published as pathogenic or benign to our knowledge

NM_004519.4(KCNQ3):c.1028T>C (p.Phe343Ser)

Gene: KCNQ3 (potassium voltage-gated channel subfamily Q member 3; minus strand). Cytogenetic location: 8q24.22.
Variant type: single nucleotide variant.
Coding change: c.1028T>C on transcript NM_004519.4 (MANE Select); coding-DNA position 1028, T replaced by C.
Protein change: p.Phe343Ser; replaces phenylalanine 343 with serine.
Molecular consequence: missense variant.
Genome position (GRCh38, 1-based): chr8:132,174,255, A>G on the plus strand (T>C on the coding strand, the complement: KCNQ3 is on the minus strand). VCF-style: chr8-132174255-A-G. GRCh37 (hg19) VCF-style: chr8-133186502-A-G.
Other names: c.668T>C, p.Phe223Ser (NM_001204824.2); short protein forms F223S, F343S.
Identifiers: ClinVar variation 1315235 (VCV001315235.2), dbSNP rs2130128090, ClinGen allele CA372290075.